The following is an entry in ClinVar:

NM_018838.5(NDUFA12):c.1A>G (p.Met1Val)

Gene: NDUFA12 (NADH:ubiquinone oxidoreductase subunit A12; minus strand). Cytogenetic location: 12q22.
Variant type: single nucleotide variant.
Coding change: c.1A>G on transcript NM_018838.5 (MANE Select); coding-DNA position 1, A replaced by G.
Protein change: p.Met1Val; changes the start codon (methionine 1).
Molecular consequence: missense variant, initiator codon variant.
Genome position (GRCh38, 1-based): chr12:95,003,680, T>C on the plus strand (A>G on the coding strand, the complement: NDUFA12 is on the minus strand). VCF-style: chr12-95003680-T-C. GRCh37 (hg19) VCF-style: chr12-95397456-T-C.
Other names: c.1A>G, p.Met1Val (NM_001258338.2); short protein forms M1V.
Identifiers: ClinVar variation 1308939 (VCV001308939.3), dbSNP rs374171638, ClinGen allele CA6722668.

ClinVar aggregate classification (germline): Likely pathogenic (1 of 4 stars; one submission).

Allele frequency attached by ClinVar (database versions not stated): TOPMed 0.00001; gnomAD exomes 0.00003; ExAC 0.00007; ESP Exome Variant Server 0.00008.

Submission:

GeneDx
Classification: Likely pathogenic. Last evaluated: 2021-10-30. Review status: criteria provided, single submitter. Criteria: GeneDx Variant Classification Process June 2021. Collection method: clinical testing. Allele origin: germline. Affected: yes.
Comment: Initiation codon variant in a gene for which loss-of-function is a known mechanism of disease; Not observed at a significant frequency in large population cohorts (Lek et al., 2016); Has not been previously published as pathogenic or benign to our knowledge